The following is an entry in ClinVar:

ClinVar aggregate classification (germline): Likely pathogenic (1 of 4 stars; one submission).

Conditions:
Seckel syndrome 11. Identifiers: MedGen C5935595, MONDO:0958328, OMIM 620767.

Submission:

3billion
Classification: Likely pathogenic for Seckel syndrome 11. Last evaluated: 2024-09-28. Review status: criteria provided, single submitter. Criteria: ACMG Guidelines, 2015. Collection method: clinical testing. Allele origin: germline. Affected: yes.
Comment: The variant is not observed in the gnomAD v4.1.0 dataset. Predicted Consequence/Location: Frameshift: predicted to result in a loss or disruption of normal protein function through nonsense-mediated decay (NMD) or protein truncation. Multiple pathogenic variants are reported downstream of the variant. Therefore, this variant is classified as Likely pathogenic according to the recommendation of ACMG/AMP guideline.

NM_033395.2(CEP295):c.4629del (p.Glu1544fs)

Gene: CEP295 (centrosomal protein 295; plus strand). Cytogenetic location: 11q21.
Variant type: Deletion.
Coding change: c.4629del on transcript NM_033395.2 (MANE Select); coding-DNA position 4629, one base deleted (T; older notation c.4629delT).
Protein change: p.Glu1544fs; shifts the reading frame from glutamic acid 1544.
Molecular consequence: frameshift variant.
Genome position (GRCh38, 1-based): chr11:93,699,541, T deleted. VCF-style (leftmost placement, unchanged base first): chr11-93699540-CT-C. GRCh37 (hg19) VCF-style: chr11-93432706-CT-C.
Other names: short protein forms E1544fs.
Identifiers: ClinVar variation 4292262 (VCV004292262.1).